The following is an entry in ClinVar:

NM_007315.4(STAT1):c.1159A>C (p.Thr387Pro)

Gene: STAT1 (signal transducer and activator of transcription 1; minus strand). Cytogenetic location: 2q32.2.
Variant type: single nucleotide variant.
Coding change: c.1159A>C on transcript NM_007315.4 (MANE Select); coding-DNA position 1159, A replaced by C.
Protein change: p.Thr387Pro; replaces threonine 387 with proline.
Molecular consequence: missense variant.
Genome position (GRCh38, 1-based): chr2:190,986,916, T>G on the plus strand (A>C on the coding strand, the complement: STAT1 is on the minus strand). VCF-style: chr2-190986916-T-G. GRCh37 (hg19) VCF-style: chr2-191851642-T-G.
Other names: c.1099A>C, p.Thr367Pro (NM_001384880.1); c.1165A>C, p.Thr389Pro (NM_001384881.1, NM_001384884.1); c.1153A>C, p.Thr385Pro (NM_001384882.1); c.1060A>C, p.Thr354Pro (NM_001384883.1); c.1000A>C, p.Thr334Pro (NM_001384885.1); c.1159A>C, p.Thr387Pro (NM_001384886.1, NM_001384889.1, NM_139266.3); c.1066A>C, p.Thr356Pro (NM_001384887.1); c.1129A>C, p.Thr377Pro (NM_001384888.1); and 2 more; short protein forms T334P, T354P, T357P, T367P, T385P, T399P, T356P, T377P.
Identifiers: ClinVar variation 2000839 (VCV002000839.4), dbSNP rs2470465465, ClinGen allele CA349919113.

ClinVar aggregate classification (germline): Uncertain significance (1 of 4 stars; one submission).

Conditions:
Autoimmune enteropathy and endocrinopathy - susceptibility to chronic infections syndrome. Also called: Immunodeficiency 31C, autosomal dominant; Immunodeficiency 31C. Identifiers: Orphanet 391487, MedGen C3279990, MONDO:0013599, OMIM 614162.
Immunodeficiency 31B. Also called: STAT1 DEFICIENCY, AUTOSOMAL RECESSIVE; IMMUNODEFICIENCY 31B, MYCOBACTERIAL AND VIRAL INFECTIONS, AUTOSOMAL RECESSIVE. Identifiers: Orphanet 391311, MedGen C3151088, MONDO:0013427, OMIM 613796.
Mendelian susceptibility to mycobacterial diseases due to partial STAT1 deficiency. Also called: IMMUNODEFICIENCY 31A, MYCOBACTERIOSIS, AUTOSOMAL DOMINANT; STAT1 DEFICIENCY, AUTOSOMAL DOMINANT; Immunodeficiency 31a. Identifiers: Orphanet 319595, MedGen C4013950, MONDO:0013956, OMIM 614892.

Submission:

Labcorp Genetics (formerly Invitae), Labcorp
Classification: Uncertain significance for Mendelian susceptibility to mycobacterial diseases due to partial STAT1 deficiency; Immunodeficiency 31B; Autoimmune enteropathy and endocrinopathy - susceptibility to chronic infections syndrome. Last evaluated: 2022-06-02. Review status: criteria provided, single submitter. Criteria: Invitae Variant Classification Sherloc (09022015). Collection method: clinical testing. Allele origin: germline.
Comment: In summary, the available evidence is currently insufficient to determine the role of this variant in disease. Therefore, it has been classified as a Variant of Uncertain Significance. This variant disrupts the p.Thr387 amino acid residue in STAT1. Other variant(s) that disrupt this residue have been determined to be pathogenic (PMID: 25662309, 26467763; Invitae). This suggests that this residue is clinically significant, and that variants that disrupt this residue are likely to be disease-causing. Algorithms developed to predict the effect of missense changes on protein structure and function (SIFT, PolyPhen-2, Align-GVGD) all suggest that this variant is likely to be tolerated. This variant has not been reported in the literature in individuals affected with STAT1-related conditions. This variant is not present in population databases (gnomAD no frequency). This sequence change replaces threonine, which is neutral and polar, with proline, which is neutral and non-polar, at codon 387 of the STAT1 protein (p.Thr387Pro).

Literature cited by the submitters: PubMed 25662309; PubMed 26467763.